The following is an entry in ClinVar:

NC_000004.11:g.(?_76481293)_(77700330_?)del

Genes: ART3 (ADP-ribosyltransferase 3 (inactive); plus strand), CCDC158 (coiled-coil domain containing 158; minus strand), CDKL2 (cyclin dependent kinase like 2; minus strand), CXCL10 (C-X-C motif chemokine ligand 10; minus strand), CXCL11 (C-X-C motif chemokine ligand 11; minus strand) and 13 more. Cytogenetic location: 4q21.1.
Variant type: Deletion.
Identifiers: ClinVar variation 1456083 (VCV001456083.4).

ClinVar aggregate classification (germline): Pathogenic (1 of 4 stars; one submission).

Conditions:
Progressive myoclonic epilepsy. Also called: Familial progressive myoclonic epilepsy; Myoclonic Epilepsies, Progressive; Myoclonus epilepsy; Progressive myoclonus epilepsy. Identifiers: Orphanet 308, Orphanet 98261, MedGen C0751778, MONDO:0020074.

Submission:

Labcorp Genetics (formerly Invitae), Labcorp
Classification: Pathogenic for Progressive myoclonic epilepsy. Last evaluated: 2022-03-29. Review status: criteria provided, single submitter. Criteria: Invitae Variant Classification Sherloc (09022015). Collection method: clinical testing. Allele origin: germline.
Comment: A gross deletion of the genomic region encompassing the full coding sequence of the SCARB2 gene has been identified. Loss-of-function variants in SCARB2 are known to be pathogenic (PMID: 19847901). The boundaries of this event are unknown as they extend beyond the assayed region for this gene and therefore may encompass additional genes. This variant has not been reported in the literature in individuals affected with SCARB2-related conditions. For these reasons, this variant has been classified as Pathogenic.

Literature cited by the submitters: PubMed 19847901.